The following is an entry in ClinVar:

ClinVar aggregate classification (germline): Benign/Likely benign. Review status: criteria provided, multiple submitters, no conflicts (2 of 4 stars). 10 submissions from 10 submitters: Benign (7); Likely benign (2). 1 of the submissions does not count toward it. Last evaluated 2026-02-04.

Conditions:
Autosomal recessive nonsyndromic hearing loss 77. Identifiers: Orphanet 90636, MedGen C2746083, MONDO:0013119, OMIM 613079.

Allele frequency attached by ClinVar (database versions not stated): 1000 Genomes Project 0.08327; gnomAD exomes 0.08374 and 0.08670; 1000 Genomes Project 30x 0.08432; TOPMed 0.09326; gnomAD 0.09530 and 0.09592; ESP Exome Variant Server 0.10293; ExAC 0.11621.
gnomAD v4.1: 129,666 of 1,522,664 alleles (8.5%); highest among the groups gnomAD compares: Middle Eastern, 15%; 6,175 homozygotes.

Submissions (10):

Labcorp Genetics (formerly Invitae), Labcorp
Classification: Benign. Last evaluated: 2026-02-04. Review status: criteria provided, single submitter. Criteria: Invitae Variant Classification Sherloc (09022015). Collection method: clinical testing. Allele origin: germline.

Genome-Nilou Lab
Classification: Benign for Autosomal recessive nonsyndromic hearing loss 77. Last evaluated: 2021-07-10. Review status: criteria provided, single submitter. Criteria: ACMG Guidelines, 2015. Collection method: clinical testing. Allele origin: germline. Affected: no.

Women's Health and Genetics/Laboratory Corporation of America, LabCorp
Classification: Likely benign. Last evaluated: 2021-04-30. Review status: criteria provided, single submitter. Criteria: LabCorp Variant Classification Summary - May 2015. Collection method: clinical testing. Allele origin: germline.

Mayo Clinic Laboratories, Mayo Clinic
Classification: Benign. Last evaluated: 2020-08-13. Review status: criteria provided, single submitter. Criteria: ACMG Guidelines, 2015. Collection method: clinical testing. Allele origin: germline. Observed: 29 variant alleles.

Illumina Laboratory Services, Illumina
Classification: Benign for Autosomal recessive nonsyndromic hearing loss 77. Last evaluated: 2018-01-13. Review status: criteria provided, single submitter. Criteria: ICSL Variant Classification Criteria 13 December 2019. Collection method: clinical testing. Allele origin: germline.
Comment: This variant was observed in the ICSL laboratory as part of a predisposition screen in an ostensibly healthy population. It had not been previously curated by ICSL or reported in the Human Gene Mutation Database (HGMD: prior to June 1st, 2018), and was therefore a candidate for classification through an automated scoring system. Utilizing variant allele frequency, disease prevalence and penetrance estimates, and inheritance mode, an automated score was calculated to assess if this variant is too frequent to cause the disease. Based on the score and internal cut-off values, a variant classified as benign is not then subjected to further curation. The score for this variant resulted in a classification of benign for this disease.

GeneDx
Classification: Benign. Last evaluated: 2017-08-03. Review status: criteria provided, single submitter. Criteria: GeneDx Variant Classification (06012015). Collection method: clinical testing. Allele origin: germline. Affected: yes.
Comment: This variant is considered likely benign or benign based on one or more of the following criteria: it is a conservative change, it occurs at a poorly conserved position in the protein, it is predicted to be benign by multiple in silico algorithms, and/or has population frequency not consistent with disease.

Laboratory for Molecular Medicine, Mass General Brigham Personalized Medicine
Classification: Benign. Last evaluated: 2012-05-07. Review status: criteria provided, single submitter. Criteria: LMM Criteria. Collection method: clinical testing. Allele origin: germline. Observed: 262 variant alleles.
Comment: Val825Met in Exon 18 of LOXHD1: This variant is not expected to have clinical si gnificance because it has been identified in 14.1% (99/702) of African American chromosomes from a broad population by the NHLBI Exome Sequencing Project (dbSNP rs36086089).

Breakthrough Genomics
Classification: Likely benign. Review status: criteria provided, single submitter. Criteria: ACMG Guidelines, 2015. Collection method: not provided. Allele origin: germline. Inheritance: Autosomal recessive inheritance. Affected: yes.

PreventionGenetics, part of Exact Sciences
Classification: Benign. Review status: criteria provided, single submitter. Criteria: ACMG Guidelines, 2015. Collection method: clinical testing. Allele origin: germline.

Natera, Inc.
Classification: Benign for Autosomal recessive deafness type 77. Last evaluated: 2020-09-16. Review status: no assertion criteria provided. Collection method: clinical testing. Allele origin: germline. Not counted in ClinVar's aggregate classification.

NM_001384474.1(LOXHD1):c.2473G>A (p.Val825Met)

Gene: LOXHD1 (lipoxygenase homology PLAT domains 1; minus strand). Cytogenetic location: 18q21.1.
Variant type: single nucleotide variant.
Coding change: c.2473G>A on transcript NM_001384474.1 (MANE Select); coding-DNA position 2473, G replaced by A.
Protein change: p.Val825Met; replaces valine 825 with methionine.
Molecular consequence: missense variant.
Genome position (GRCh38, 1-based): chr18:46,563,190, C>T on the plus strand (G>A on the coding strand, the complement: LOXHD1 is on the minus strand). VCF-style: chr18-46563190-C-T. GRCh37 (hg19) VCF-style: chr18-44143153-C-T.
Other names: c.2473G>A, p.Val825Met (NM_144612.7); short protein forms V825M.
Identifiers: ClinVar variation 47928 (VCV000047928.25), dbSNP rs36086089, ClinGen allele CA142204.
Genomic context (GRCh38, chr18:46,563,190, plus strand): 5'-TCTTGCCTTTCTCTCCATAGATCTGCATGTAGACTCGGGCACTGGTGCCTGCGCCACCCA[C>T]ATCTCCTGTCCAAATCTCAACCTCATAGTGGACCACTGGGTGGGCACGTGCAGAAGAAGT-3'
Protein context (NP_001371403.1, residues 815-835): HYEVEIWTGD[Val825Met]GGAGTSARVY